The following is an entry in ClinVar:

ClinVar aggregate classification (germline): Uncertain significance (1 of 4 stars; one submission).

Conditions:
Hereditary cancer-predisposing syndrome. Also called: Neoplastic Syndromes, Hereditary; Tumor predisposition; Hereditary Cancer Syndrome; Hereditary neoplastic syndrome. Identifiers: Orphanet 140162, MedGen C0027672, MeSH D009386, MONDO:0015356.

Submission:

Ambry Genetics
Classification: Uncertain significance for Hereditary cancer-predisposing syndrome. Last evaluated: 2021-06-25. Review status: criteria provided, single submitter. Criteria: Ambry Variant Classification Scheme 2023. Collection method: clinical testing. Allele origin: germline.
Comment: The p.N307T variant (also known as c.920A>C), located in coding exon 4 of the MSH6 gene, results from an A to C substitution at nucleotide position 920. The asparagine at codon 307 is replaced by threonine, an amino acid with similar properties. This amino acid position is not well conserved in available vertebrate species. In addition, this alteration is predicted to be tolerated by in silico analysis. Since supporting evidence is limited at this time, the clinical significance of this alteration remains unclear.

NM_000179.3(MSH6):c.920A>C (p.Asn307Thr)

Gene: MSH6 (mutS homolog 6; plus strand). Cytogenetic location: 2p16.3.
Variant type: single nucleotide variant.
Coding change: c.920A>C on transcript NM_000179.3 (MANE Select); coding-DNA position 920, A replaced by C.
Protein change: p.Asn307Thr; replaces asparagine 307 with threonine.
Molecular consequence: missense variant.
Genome position (GRCh38, 1-based): chr2:47,798,903, A>C. VCF-style: chr2-47798903-A-C. GRCh37 (hg19) VCF-style: chr2-48026042-A-C.
Other names: c.530A>C, p.Asn177Thr (NM_001281492.2); c.14A>C, p.Asn5Thr (NM_001281493.2, NM_001281494.2, NM_001406811.1 and 6 more transcripts); c.1016A>C, p.Asn339Thr (NM_001406795.1, NM_001406802.1); c.920A>C, p.Asn307Thr (NM_001406796.1, NM_001406798.1, NM_001406800.1 and 4 more transcripts); c.623A>C, p.Asn208Thr (NM_001406797.1, NM_001406801.1, NM_001406805.1 and 10 more transcripts); c.395A>C, p.Asn132Thr (NM_001406799.1, NM_001406806.1, NM_001406807.1); c.842A>C, p.Asn281Thr (NM_001406804.1); c.926A>C, p.Asn309Thr (NM_001406813.1); and 1 more; short protein forms N307T, N339T, N5T, N132T, N208T, N251T, N177T, N281T.
Identifiers: ClinVar variation 1766191 (VCV001766191.2), dbSNP rs2104306349, ClinGen allele CA346740737.
Genomic context (GRCh38, chr2:47,798,903, plus strand): 5'-GTGAAGGCCTGAACAGCCCTGTCAAAGTTGCTCGAAAGCGGAAGAGAATGGTGACTGGAA[A>C]TGGCTCTCTTAAAAGGAAAAGCTCTAGGAAGGAAACGCCCTCAGCCACCAAACAAGCAAC-3'
Protein context (NP_000170.1, residues 297-317): ARKRKRMVTG[Asn307Thr]GSLKRKSSRK